The following is an entry in ClinVar:

ClinVar aggregate classification (germline): Uncertain significance (1 of 4 stars; one submission).

Conditions:
Amyotrophic lateral sclerosis type 4 (ALS4). Also called: NEURONOPATHY, DISTAL HEREDITARY MOTOR, WITH PYRAMIDAL FEATURES; AMYOTROPHIC LATERAL SCLEROSIS 4, JUVENILE. Identifiers: Orphanet 357043, MedGen C1865409, MONDO:0011223, OMIM 602433.
Spinocerebellar ataxia, autosomal recessive, with axonal neuropathy 2 (SCAN2). Also called: Ataxia-ocular apraxia-2; ATAXIA-OCULOMOTOR APRAXIA 2; Ataxia with Oculomotor Apraxia; Ataxia with Oculomotor Apraxia Type 2. Identifiers: Orphanet 64753, MedGen C1853761, MONDO:0018996, OMIM 606002.

Submission:

Labcorp Genetics (formerly Invitae), Labcorp
Classification: Uncertain significance for Amyotrophic lateral sclerosis type 4; Spinocerebellar ataxia, autosomal recessive, with axonal neuropathy 2. Last evaluated: 2019-08-12. Review status: criteria provided, single submitter. Criteria: Invitae Variant Classification Sherloc (09022015). Collection method: clinical testing. Allele origin: germline.
Comment: This sequence change replaces isoleucine with phenylalanine at codon 2399 of the SETX protein (p.Ile2399Phe). The isoleucine residue is highly conserved and there is a small physicochemical difference between isoleucine and phenylalanine. This variant is not present in population databases (ExAC no frequency). This variant has not been reported in the literature in individuals with SETX-related conditions. Algorithms developed to predict the effect of missense changes on protein structure and function are either unavailable or do not agree on the potential impact of this missense change (SIFT: "Deleterious"; PolyPhen-2: "Probably Damaging"; Align-GVGD: "Class C0"). In summary, the available evidence is currently insufficient to determine the role of this variant in disease. Therefore, it has been classified as a Variant of Uncertain Significance.

NM_015046.7(SETX):c.7195A>T (p.Ile2399Phe)

Gene: SETX (senataxin; minus strand). Cytogenetic location: 9q34.13.
Variant type: single nucleotide variant.
Coding change: c.7195A>T on transcript NM_015046.7 (MANE Select); coding-DNA position 7195, A replaced by T.
Protein change: p.Ile2399Phe; replaces isoleucine 2399 with phenylalanine.
Molecular consequence: missense variant.
Genome position (GRCh38, 1-based): chr9:132,271,714, T>A on the plus strand (A>T on the coding strand, the complement: SETX is on the minus strand). VCF-style: chr9-132271714-T-A. GRCh37 (hg19) VCF-style: chr9-135147101-T-A.
Other names: c.7195A>T, p.Ile2399Phe (NM_001351527.2, NM_001351528.2); short protein forms I2399F.
Identifiers: ClinVar variation 940419 (VCV000940419.10), dbSNP rs150489999, ClinGen allele CA375328629.